The following is an entry in ClinVar:

NM_003803.4(MYOM1):c.2690G>A (p.Ser897Asn)

Gene: MYOM1 (myomesin 1; minus strand). Cytogenetic location: 18p11.31.
Variant type: single nucleotide variant.
Coding change: c.2690G>A on transcript NM_003803.4 (MANE Select); coding-DNA position 2690, G replaced by A.
Protein change: p.Ser897Asn; replaces serine 897 with asparagine.
Molecular consequence: missense variant. On other transcripts: intron variant (1).
Genome position (GRCh38, 1-based): chr18:3,129,336, C>T on the plus strand (G>A on the coding strand, the complement: MYOM1 is on the minus strand). VCF-style: chr18-3129336-C-T. GRCh37 (hg19) VCF-style: chr18-3129334-C-T.
Other names: c.2506+2039G>A (NM_019856.2); short protein forms S897N.
Identifiers: ClinVar variation 2145488 (VCV002145488.5), dbSNP rs191333766, ClinGen allele CA8874554.

ClinVar aggregate classification (germline): Uncertain significance. Review status: criteria provided, multiple submitters, no conflicts (2 of 4 stars). 2 submissions from 2 submitters: Uncertain significance (2). Last evaluated 2025-08-24.

Conditions:
Hypertrophic cardiomyopathy. Also called: HYPERTROPHIC MYOCARDIOPATHY. Identifiers: Orphanet 217569, MedGen C0007194, MeSH D002312, MONDO:0005045, HP:0001639.

Allele frequency attached by ClinVar (database versions not stated): ExAC 0.00001; gnomAD exomes 0.00001; TOPMed 0.00006; gnomAD 0.00007; 1000 Genomes Project 30x 0.00016; 1000 Genomes Project 0.00020.
gnomAD v4.1: 35 of 1,613,964 alleles (0.0022%); highest among the groups gnomAD compares: Admixed American, 0.027%; no homozygotes.

Submissions (2):

Labcorp Genetics (formerly Invitae), Labcorp
Classification: Uncertain significance for Hypertrophic cardiomyopathy. Last evaluated: 2025-08-24. Review status: criteria provided, single submitter. Criteria: Invitae Variant Classification Sherloc (09022015). Collection method: clinical testing. Allele origin: germline.
Comment: This sequence change replaces serine, which is neutral and polar, with asparagine, which is neutral and polar, at codon 897 of the MYOM1 protein (p.Ser897Asn). This variant is present in population databases (rs191333766, gnomAD 0.02%). This variant has not been reported in the literature in individuals affected with MYOM1-related conditions. ClinVar contains an entry for this variant (Variation ID: 2145488). An algorithm developed to predict the effect of missense changes on protein structure and function (PolyPhen-2) suggests that this variant is likely to be tolerated. Algorithms developed to predict the effect of sequence changes on RNA splicing suggest that this variant may create or strengthen a splice site. In summary, the available evidence is currently insufficient to determine the role of this variant in disease. Therefore, it has been classified as a Variant of Uncertain Significance.

Ambry Genetics
Classification: Uncertain significance. Last evaluated: 2024-07-23. Review status: criteria provided, single submitter. Criteria: Ambry Variant Classification Scheme 2023. Collection method: clinical testing. Allele origin: germline.